The following is an entry in ClinVar:

NM_004370.6(COL12A1):c.2965G>A (p.Gly989Arg)

Gene: COL12A1 (collagen type XII alpha 1 chain; minus strand). Cytogenetic location: 6q13.
Variant type: single nucleotide variant.
Coding change: c.2965G>A on transcript NM_004370.6 (MANE Select); coding-DNA position 2965, G replaced by A.
Protein change: p.Gly989Arg; replaces glycine 989 with arginine.
Molecular consequence: missense variant. On other transcripts: intron variant (1).
Genome position (GRCh38, 1-based): chr6:75,165,525, C>T on the plus strand (G>A on the coding strand, the complement: COL12A1 is on the minus strand). VCF-style: chr6-75165525-C-T. GRCh37 (hg19) VCF-style: chr6-75875241-C-T.
Other names: p.Gly989Arg; c.74-13043G>A (NM_080645.3); short protein forms G989R.
Identifiers: ClinVar variation 475854 (VCV000475854.43), dbSNP rs139332405, ClinGen allele CA3893849.

ClinVar aggregate classification (germline): Benign/Likely benign. Review status: criteria provided, multiple submitters, no conflicts (2 of 4 stars). 7 submissions from 7 submitters: Benign (2); Likely benign (4). 1 of the submissions does not count toward it. Last evaluated 2026-07-01.

Conditions:
COL12A1-related disorder. Also called: COL12A1-related condition.
Ullrich congenital muscular dystrophy 2 (UCMD2). Identifiers: Orphanet 75840, MedGen C4225314, MONDO:0014654, OMIM 616470.
Bethlem myopathy 2 (BTHLM2). Identifiers: Orphanet 536516, Orphanet 610, MedGen C4225313, MONDO:0034022, OMIM 616471.

Allele frequency attached by ClinVar (database versions not stated): ESP Exome Variant Server 0.00082; TOPMed 0.00087; 1000 Genomes Project 0.00120; 1000 Genomes Project 30x 0.00125; gnomAD exomes 0.00185 and 0.00226; ExAC 0.00222; gnomAD 0.00253 and 0.00262.
gnomAD v4.1: 3,071 of 1,613,676 alleles (0.19%); highest among the groups gnomAD compares: Non-Finnish European, 0.17%; 2 homozygotes.

Submissions (7):

CeGaT Center for Human Genetics Tuebingen
Classification: Likely benign. Last evaluated: 2026-07-01. Review status: criteria provided, single submitter. Criteria: CeGaT Center For Human Genetics Tuebingen Variant Classification Criteria Version 2. Collection method: clinical testing. Allele origin: germline. Affected: yes. Observed: 12 variant alleles.
Comment: COL12A1: BS1

Women's Health and Genetics/Laboratory Corporation of America, LabCorp
Classification: Benign. Last evaluated: 2026-04-08. Review status: criteria provided, single submitter. Criteria: LabCorp Variant Classification Summary - May 2015. Collection method: clinical testing. Allele origin: germline.
Comment: Variant summary: COL12A1 c.2965G>A (p.Gly989Arg) results in a non-conservative amino acid change located in the Fibronectin type III repeat region (IPR003961) of the encoded protein sequence. Algorithms developed to predict the effect of missense changes on protein structure and function all suggest that this variant is likely to be disruptive. The variant allele was found at a frequency of 0.0019 in 1606704 control chromosomes in the gnomAD database, including 2 homozygotes. It was found predominantly within the Finnish subpopulation at a frequency of 0.014, which exceeds the estimated maximal expected allele frequency for disease-causing variants in COL12A1. To our knowledge, no occurrence of c.2965G>A in individuals affected with COL12A1-related conditions and no experimental evidence demonstrating its impact on protein function have been reported. ClinVar contains an entry for this variant (Variation ID: 475854). Based on the evidence outlined above, the variant was classified as benign.

Labcorp Genetics (formerly Invitae), Labcorp
Classification: Benign for Bethlem myopathy 2; Ullrich congenital muscular dystrophy 2. Last evaluated: 2026-01-27. Review status: criteria provided, single submitter. Criteria: Invitae Variant Classification Sherloc (09022015). Collection method: clinical testing. Allele origin: germline.

Mayo Clinic Laboratories, Mayo Clinic
Classification: Likely benign. Last evaluated: 2025-04-09. Review status: criteria provided, single submitter. Criteria: ACMG Guidelines, 2015. Collection method: clinical testing. Allele origin: germline. Observed: 9 variant alleles.
Comment: BS1, BS2_supporting

Blueprint Genetics
Classification: Likely benign. Last evaluated: 2024-11-13. Review status: criteria provided, single submitter. Criteria: ACMG Guidelines, 2015. Collection method: clinical testing. Allele origin: germline.

GeneDx
Classification: Likely benign. Last evaluated: 2020-12-28. Review status: criteria provided, single submitter. Criteria: GeneDx Variant Classification Process June 2021. Collection method: clinical testing. Allele origin: germline. Affected: yes.

PreventionGenetics, part of Exact Sciences
Classification: Benign for COL12A1-related condition. Last evaluated: 2020-01-13. Review status: no assertion criteria provided. Collection method: clinical testing. Allele origin: germline. Not counted in ClinVar's aggregate classification.
Comment: This variant is classified as benign based on ACMG/AMP sequence variant interpretation guidelines (Richards et al. 2015 PMID: 25741868, with internal and published modifications).